The following is an entry in ClinVar:

ClinVar aggregate classification (germline): Uncertain significance (1 of 4 stars; one submission).

Conditions:
Severe combined immunodeficiency due to DNA-PKcs deficiency. Also called: IMMUNODEFICIENCY 26 WITH NEUROLOGIC ABNORMALITIES; Immunodeficiency 26 with or without neurologic abnormalities. Identifiers: Orphanet 317425, MedGen C4014833, MONDO:0014423, OMIM 615966.

Allele frequency attached by ClinVar (database versions not stated): gnomAD exomes below 0.00001; gnomAD 0.00001; TOPMed 0.00002.

Submission:

Labcorp Genetics (formerly Invitae), Labcorp
Classification: Uncertain significance for Severe combined immunodeficiency due to DNA-PKcs deficiency. Last evaluated: 2020-03-09. Review status: criteria provided, single submitter. Criteria: Invitae Variant Classification Sherloc (09022015). Collection method: clinical testing. Allele origin: germline.
Comment: In summary, the available evidence is currently insufficient to determine the role of this variant in disease. Therefore, it has been classified as a Variant of Uncertain Significance. Experimental studies and prediction algorithms are not available or were not evaluated, and the functional significance of this variant is currently unknown. This variant has not been reported in the literature in individuals with PRKDC-related conditions. This variant is not present in population databases (ExAC no frequency). This sequence change replaces arginine with threonine at codon 1938 of the PRKDC protein (p.Arg1938Thr). The arginine residue is highly conserved and there is a moderate physicochemical difference between arginine and threonine.

NM_006904.7(PRKDC):c.5813G>C (p.Arg1938Thr)

Gene: PRKDC (protein kinase, DNA-activated, catalytic subunit; minus strand). Cytogenetic location: 8q11.21.
Variant type: single nucleotide variant.
Coding change: c.5813G>C on transcript NM_006904.7 (MANE Select); coding-DNA position 5813, G replaced by C.
Protein change: p.Arg1938Thr; replaces arginine 1938 with threonine.
Molecular consequence: missense variant.
Genome position (GRCh38, 1-based): chr8:47,862,479, C>G on the plus strand (G>C on the coding strand, the complement: PRKDC is on the minus strand). VCF-style: chr8-47862479-C-G. GRCh37 (hg19) VCF-style: chr8-48775040-C-G.
Other names: c.5813G>C, p.Arg1938Thr (NM_001081640.2); short protein forms R1938T.
Identifiers: ClinVar variation 1009752 (VCV001009752.5), dbSNP rs2088699565, ClinGen allele CA371162456.
Genomic context (GRCh38, chr8:47,862,479, plus strand): 5'-TCATTGAAGACACAGCAGATGACAGATATGGCGCAGTTGTATGCTGCACAATGGTAAAGT[C>G]TTCTCCTCTCCAGCAGCTGATTCTCTCCTGCCATGTTCTCTGTAAATGCATCGTAGCACA-3'
Protein context (NP_008835.5, residues 1928-1948): AGENQLLERR[Arg1938Thr]LYHCAAYNCA